The following is an entry in ClinVar:

ClinVar aggregate classification (germline): Uncertain significance. Review status: criteria provided, multiple submitters, no conflicts (2 of 4 stars). 2 submissions from 2 submitters: Uncertain significance (2). Last evaluated 2024-08-18.

Allele frequency attached by ClinVar (database versions not stated): gnomAD exomes below 0.00001 and 0.00001; ExAC 0.00001; gnomAD 0.00001.
gnomAD v4.1: 9 of 1,612,792 alleles (0.00056%); highest among the groups gnomAD compares: Non-Finnish European, 0.00076%; no homozygotes.

Submissions (2):

Labcorp Genetics (formerly Invitae), Labcorp
Classification: Uncertain significance. Last evaluated: 2024-08-18. Review status: criteria provided, single submitter. Criteria: Invitae Variant Classification Sherloc (09022015). Collection method: clinical testing. Allele origin: germline.
Comment: This sequence change falls in intron 20 of the COL11A2 gene. It does not directly change the encoded amino acid sequence of the COL11A2 protein. It affects a nucleotide within the consensus splice site. This variant is present in population databases (rs765851027, gnomAD 0.0009%). This variant has not been reported in the literature in individuals affected with COL11A2-related conditions. ClinVar contains an entry for this variant (Variation ID: 1516348). Variants that disrupt the consensus splice site are a relatively common cause of aberrant splicing (PMID: 17576681, 9536098). Algorithms developed to predict the effect of sequence changes on RNA splicing suggest that this variant may disrupt the consensus splice site. In summary, the available evidence is currently insufficient to determine the role of this variant in disease. Therefore, it has been classified as a Variant of Uncertain Significance.

GeneDx
Classification: Uncertain significance. Last evaluated: 2023-06-29. Review status: criteria provided, single submitter. Criteria: GeneDx Variant Classification Process June 2021. Collection method: clinical testing. Allele origin: germline. Affected: yes.
Comment: Not observed at significant frequency in large population cohorts (gnomAD); In silico analysis supports that this variant does not alter splicing; Has not been previously published as pathogenic or benign to our knowledge

Literature cited by the submitters: PubMed 17576681 (cited by Labcorp Genetics (formerly Invitae), Labcorp); PubMed 9536098 (cited by Labcorp Genetics (formerly Invitae), Labcorp).

NM_080680.3(COL11A2):c.1818+3G>C

Gene: COL11A2 (collagen type XI alpha 2 chain; minus strand). Cytogenetic location: 6p21.32.
Variant type: single nucleotide variant.
Coding change: c.1818+3G>C on transcript NM_080680.3 (MANE Select); 3 bases into the intron after coding-DNA position 1818, G replaced by C.
Molecular consequence: intron variant.
Genome position (GRCh38, 1-based): chr6:33,178,305, C>G on the plus strand (G>C on the coding strand, the complement: COL11A2 is on the minus strand). VCF-style: chr6-33178305-C-G. GRCh37 (hg19) VCF-style: chr6-33146082-C-G.
Other names: c.1497+3G>C (NM_080679.3); c.1560+3G>C (NM_080681.3).
Identifiers: ClinVar variation 1516348 (VCV001516348.6), dbSNP rs765851027, ClinGen allele CA3751195.
Genomic context (GRCh38, chr6:33,178,305, plus strand): 5'-CTCATGTCCCCCTCCTGGCTTCCCCAGAGCCCCCTCCCCCAGCACCAGCCCTTGGACACT[C>G]ACCGACTCTCCAGGCAGCCCTCGAGGCCCAATCTCCCCGTCATCTCCCTGGAGGAGGAGG-3'